The following is an entry in ClinVar:

NM_005996.4(TBX3):c.1965C>T (p.Ala655=)

Gene: TBX3 (T-box transcription factor 3; minus strand). Cytogenetic location: 12q24.21.
Variant type: single nucleotide variant.
Coding change: c.1965C>T on transcript NM_005996.4 (MANE Select); coding-DNA position 1965, C replaced by T.
Protein change: p.Ala655=; no amino-acid change (alanine 655 retained).
Molecular consequence: synonymous variant.
Genome position (GRCh38, 1-based): chr12:114,672,048, G>A on the plus strand (C>T on the coding strand, the complement: TBX3 is on the minus strand). VCF-style: chr12-114672048-G-A. GRCh37 (hg19) VCF-style: chr12-115109853-G-A.
Other names: c.2025C>T, p.Ala675= (NM_016569.4); c.2025C>T (NM_016569.3).
Identifiers: ClinVar variation 1660607 (VCV001660607.9), dbSNP rs779062347, ClinGen allele CA6809812.
Genomic context (GRCh38, chr12:114,672,048, plus strand): 5'-GCGGCTGTTGAGTTCAGAGCCCGAGTCCACTGCCACCGAGGCCGGGCTGGCGGCCAGGGC[G>A]GCGACTTTGCCGTCCAGGGGCCCCGCGGCCGCCGCCATGGAGGGCAGGGCGGTGGTGAGC-3'
Protein context (NP_005987.3, residues 645-665): AAAGPLDGKV[Ala655=]ALAASPASVA

ClinVar aggregate classification (germline): Likely benign. Review status: criteria provided, single submitter (1 of 4 stars). 2 submissions from 2 submitters: Likely benign (1). 1 of the submissions does not count toward it. Last evaluated 2024-04-29.

Conditions:
TBX3-related disorder. Also called: TBX3-related condition.
Ulnar-mammary syndrome (UMS). Also called: SCHINZEL SYNDROME; PALLISTER ULNAR-MAMMARY SYNDROME; Ulnar-mammary syndrome of Pallister. Identifiers: Orphanet 3138, MedGen C1866994, MONDO:0008411, OMIM 181450.

Allele frequency attached by ClinVar (database versions not stated): gnomAD exomes 0.00003; gnomAD 0.00005 and 0.00006; TOPMed 0.00005; ExAC 0.00007.
gnomAD v4.1: 58 of 1,578,018 alleles (0.0037%); highest among the groups gnomAD compares: Non-Finnish European, 0.0045%; no homozygotes.

Submissions (2):

Labcorp Genetics (formerly Invitae), Labcorp
Classification: Likely benign for Ulnar-mammary syndrome. Last evaluated: 2024-04-29. Review status: criteria provided, single submitter. Criteria: Invitae Variant Classification Sherloc (09022015). Collection method: clinical testing. Allele origin: germline.

PreventionGenetics, part of Exact Sciences
Classification: Likely benign for TBX3-related condition. Last evaluated: 2022-09-15. Review status: no assertion criteria provided. Collection method: clinical testing. Allele origin: germline. Not counted in ClinVar's aggregate classification.
Comment: This variant is classified as likely benign based on ACMG/AMP sequence variant interpretation guidelines (Richards et al. 2015 PMID: 25741868, with internal and published modifications).